The following is an entry in ClinVar:

NM_006073.4(TRDN):c.1321+2T>C

Gene: TRDN (triadin; minus strand). Cytogenetic location: 6q22.31.
Variant type: single nucleotide variant.
Coding change: c.1321+2T>C on transcript NM_006073.4 (MANE Select); the canonical splice donor site of the intron after coding-DNA position 1321, T replaced by C.
Molecular consequence: splice donor variant.
Genome position (GRCh38, 1-based): chr6:123,366,133, A>G on the plus strand (T>C on the coding strand, the complement: TRDN is on the minus strand). VCF-style: chr6-123366133-A-G. GRCh37 (hg19) VCF-style: chr6-123687278-A-G.
Other names: c.1264+2T>C (NM_001407315.1); c.1324+2T>C (NM_001251987.2); c.1321+2T>C (NM_006073.2).
Identifiers: ClinVar variation 963767 (VCV000963767.12), dbSNP rs772232730, ClinGen allele CA3984007.
Genomic context (GRCh38, chr6:123,366,133, plus strand): 5'-GTTAGAAACCTTAGCAGAAATAACTTATAGTTATGACATCTTTATCTTTAAGCTGCATTT[A>G]CCTTTTTTAATTGAAACCGCACCAATCTCCTCTTTGGCTCGTTCAGTTTCTGCAAGTTCA-3'

ClinVar aggregate classification (germline): Uncertain significance. Review status: criteria provided, multiple submitters, no conflicts (2 of 4 stars). 2 submissions from 2 submitters: Uncertain significance (2). Last evaluated 2025-04-17.

Conditions:
Catecholaminergic polymorphic ventricular tachycardia 1. Also called: VENTRICULAR TACHYCARDIA, CATECHOLAMINERGIC POLYMORPHIC, 1, WITH OR WITHOUT ATRIAL DYSFUNCTION AND/OR DILATED CARDIOMYOPATHY; VENTRICULAR TACHYCARDIA, STRESS-INDUCED POLYMORPHIC 1; RYR2-Related Catecholaminergic Polymorphic Ventricular Tachycardia. Identifiers: Orphanet 3286, MedGen C1631597, MONDO:0011484, OMIM 604772.
Cardiovascular phenotype. Identifiers: MedGen CN230736.

Allele frequency attached by ClinVar (database versions not stated): gnomAD exomes below 0.00001; ExAC 0.00001; gnomAD 0.00001; TOPMed 0.00001.
gnomAD v4.1: 3 of 1,611,002 alleles (0.00019%); highest among the groups gnomAD compares: African/African-American, 0.0027%; no homozygotes.

Submissions (2):

Ambry Genetics
Classification: Uncertain significance for Cardiovascular phenotype. Last evaluated: 2025-04-17. Review status: criteria provided, single submitter. Criteria: Ambry Variant Classification Scheme 2023. Collection method: clinical testing. Allele origin: germline.
Comment: The c.1321+2T>C intronic variant results from a T to C substitution two nucleotides after coding exon 20 in the TRDN gene. This nucleotide position is highly conserved in available vertebrate species. In silico splice site analysis predicts that this alteration will weaken the native splice donor site. Alterations that disrupt the canonical splice site are expected to cause aberrant splicing, resulting in an abnormal protein or a transcript that is subject to nonsense-mediated mRNA decay. However, this alteration does not impact the predominant cardiac isoform of TRDN (NM_001256021.1; Kobayashi YM et al. J. Biol. Chem., 1999 Oct;274:28660-8). Based on the available evidence, the clinical significance of this variant remains unclear.

Labcorp Genetics (formerly Invitae), Labcorp
Classification: Uncertain significance for Catecholaminergic polymorphic ventricular tachycardia 1. Last evaluated: 2020-12-23. Review status: criteria provided, single submitter. Criteria: Invitae Variant Classification Sherloc (09022015). Collection method: clinical testing. Allele origin: germline.
Comment: In summary, the available evidence is currently insufficient to determine the role of this variant in disease. Therefore, it has been classified as a Variant of Uncertain Significance. Algorithms developed to predict the effect of sequence changes on RNA splicing suggest that this variant may disrupt the consensus splice site, but this prediction has not been confirmed by published transcriptional studies. This variant has not been reported in the literature in individuals with TRDN-related conditions. ClinVar contains an entry for this variant (Variation ID: 963767). This variant is present in population databases (rs772232730, ExAC 0.01%). This sequence change affects a donor splice site in intron 20 of the TRDN gene. It is expected to disrupt RNA splicing. Variants that disrupt the donor or acceptor splice site typically lead to a loss of protein function (PMID: 16199547). This variant occurs in the long isoform of TRDN, also known as Trisk-95 (PMID: 19403623). The current clinical and genetic evidence is not sufficient to establish whether loss-of-function variants in the long isoform of TRDN cause disease.

Literature cited by the submitters: PubMed 16199547 (cited by Labcorp Genetics (formerly Invitae), Labcorp); PubMed 19403623 (cited by Labcorp Genetics (formerly Invitae), Labcorp).